The following is an entry in ClinVar:

NM_024334.3(TMEM43):c.236G>C (p.Ser79Thr)

Gene: TMEM43 (transmembrane protein 43; plus strand). Cytogenetic location: 3p25.1.
Variant type: single nucleotide variant.
Coding change: c.236G>C on transcript NM_024334.3 (MANE Select); coding-DNA position 236, G replaced by C.
Protein change: p.Ser79Thr; replaces serine 79 with threonine.
Molecular consequence: missense variant.
Genome position (GRCh38, 1-based): chr3:14,130,895, G>C. VCF-style: chr3-14130895-G-C. GRCh37 (hg19) VCF-style: chr3-14172395-G-C.
Other names: c.236G>C, p.Ser79Thr (NM_001407274.1, NM_001407275.1, NM_001407276.1 and 2 more transcripts); c.221G>C, p.Ser74Thr (NM_001407278.1); c.86G>C, p.Ser29Thr (NM_001407280.1); short protein forms S29T, S74T, S79T.
Identifiers: ClinVar variation 3072459 (VCV003072459.1), dbSNP rs747252111, ClinGen allele CA052318.

ClinVar aggregate classification (germline): Uncertain significance (1 of 4 stars; one submission).

Conditions:
Arrhythmogenic right ventricular dysplasia 5. Also called: Arrhythmogenic Right Ventricular Dysplasia/Cardiomyopathy 5; ARRHYTHMOGENIC RIGHT VENTRICULAR DYSPLASIA, FAMILIAL, 5. Identifiers: MedGen C1858379, MONDO:0011459, OMIM 604400.

Allele frequency attached by ClinVar (database versions not stated): TOPMed below 0.00001; ExAC 0.00001.
gnomAD v4.1: 11 of 1,613,724 alleles (0.00068%); highest among the groups gnomAD compares: Non-Finnish European, 0.00085%; no homozygotes.

Submission:

All of Us Research Program, National Institutes of Health
Classification: Uncertain significance for Arrhythmogenic right ventricular dysplasia 5. Last evaluated: 2023-07-19. Review status: criteria provided, single submitter. Criteria: ACMG Guidelines, 2015. Collection method: clinical testing. Allele origin: germline. Inheritance: Autosomal dominant inheritance. Observed: 1 variant allele, 1 heterozygote.
Comment: This missense variant replaces serine with threonine at codon 79 of the TMEM43 protein. Computational prediction suggests that this variant may not impact protein structure and function (internally defined REVEL score threshold <= 0.5, PMID: 27666373). To our knowledge, functional studies have not been reported for this variant. This variant has not been reported in individuals affected with TMEM43-related disorders in the literature. This variant has been identified in 1/251014 chromosomes in the general population by the Genome Aggregation Database (gnomAD). The available evidence is insufficient to determine the role of this variant in disease conclusively. Therefore, this variant is classified as a Variant of Uncertain Significance.

This study involves interpretation of variants in research participants for the purpose of population health screening. Participant phenotype was not available at the time of variant classification. Additional details can be found in publication PMID: 35346344, PMCID: PMC8962531